The following is an entry in ClinVar:

ClinVar aggregate classification (germline): Uncertain significance. Review status: criteria provided, multiple submitters, no conflicts (2 of 4 stars). 5 submissions from 4 submitters: Uncertain significance (4). 1 of the submissions does not count toward it. Last evaluated 2023-11-04.

Conditions:
Usher syndrome type 2A. Also called: RETINAL DISEASE IN USHER SYNDROME TYPE IIA, MODIFIER OF; USHER SYNDROME, TYPE IIA. Identifiers: Orphanet 231178, Orphanet 886, MedGen C1848634, MONDO:0010169, OMIM 276901.
Retinitis pigmentosa 39 (RP39). Identifiers: Orphanet 791, MedGen C3151138, MONDO:0013436, OMIM 613809.

Allele frequency attached by ClinVar (database versions not stated): gnomAD 0.00001; gnomAD exomes 0.00001 and 0.00002; ExAC 0.00002; TOPMed 0.00002; ESP Exome Variant Server 0.00015.
gnomAD v4.1: 23 of 1,613,936 alleles (0.0014%); highest among the groups gnomAD compares: Non-Finnish European, 0.0018%; no homozygotes.

Submissions (5):

Genome-Nilou Lab
Classification: Uncertain significance for Retinitis pigmentosa 39. Last evaluated: 2023-11-04. Review status: criteria provided, single submitter. Criteria: ACMG Guidelines, 2015. Collection method: clinical testing. Allele origin: germline. Affected: no.

Genome-Nilou Lab
Classification: Uncertain significance for Usher syndrome type 2A. Last evaluated: 2023-11-04. Review status: criteria provided, single submitter. Criteria: ACMG Guidelines, 2015. Collection method: clinical testing. Allele origin: germline. Affected: no.

Women's Health and Genetics/Laboratory Corporation of America, LabCorp
Classification: Uncertain significance. Last evaluated: 2023-06-29. Review status: criteria provided, single submitter. Criteria: LabCorp Variant Classification Summary - May 2015. Collection method: clinical testing. Allele origin: germline.
Comment: Variant summary: USH2A c.3938A>G (p.Asn1313Ser) results in a conservative amino acid change located in the Fibronectin type III domain (IPR003961) of the encoded protein sequence. Four of five in-silico tools predict a benign effect of the variant on protein function. The variant allele was found at a frequency of 1.6e-05 in 250934 control chromosomes (gnomAD). The available data on variant occurrences in the general population are insufficient to allow any conclusion about variant significance. c.3938A>G has been reported in the literature as a non-informative genotype (heterozygous) in one individual with a family history of Usher Syndrome (Pierrottet_2014). This report does not provide unequivocal conclusions about association of the variant with Usher Syndrome. To our knowledge, no experimental evidence demonstrating an impact on protein function has been reported. The following publication has been ascertained in the context of this evaluation (PMID: 25366773). Two submitters have cited clinical-significance assessments for this variant to ClinVar after 2014, and classified the variant as uncertain significance. Based on the evidence outlined above, the variant was classified as uncertain significance.

Labcorp Genetics (formerly Invitae), Labcorp
Classification: Uncertain significance. Last evaluated: 2022-09-08. Review status: criteria provided, single submitter. Criteria: Invitae Variant Classification Sherloc (09022015). Collection method: clinical testing. Allele origin: germline.
Comment: This sequence change replaces asparagine, which is neutral and polar, with serine, which is neutral and polar, at codon 1313 of the USH2A protein (p.Asn1313Ser). This variant is present in population databases (rs145459379, gnomAD 0.004%). This variant has not been reported in the literature in individuals affected with USH2A-related conditions. ClinVar contains an entry for this variant (Variation ID: 846734). Advanced modeling of protein sequence and biophysical properties (such as structural, functional, and spatial information, amino acid conservation, physicochemical variation, residue mobility, and thermodynamic stability) performed at Invitae indicates that this missense variant is not expected to disrupt USH2A protein function. In summary, the available evidence is currently insufficient to determine the role of this variant in disease. Therefore, it has been classified as a Variant of Uncertain Significance.

Natera, Inc.
Classification: Uncertain significance for Usher syndrome type 2A. Last evaluated: 2020-09-16. Review status: no assertion criteria provided. Collection method: clinical testing. Allele origin: germline. Not counted in ClinVar's aggregate classification.

Literature cited by the submitters: PubMed 25366773 (cited by Women's Health and Genetics/Laboratory Corporation of America, LabCorp).

NM_206933.4(USH2A):c.3938A>G (p.Asn1313Ser)

Genes: USH2A (usherin; minus strand), USH2A-AS1 (USH2A antisense RNA 1; plus strand). Cytogenetic location: 1q41.
Variant type: single nucleotide variant.
Coding change: c.3938A>G on transcript NM_206933.4 (MANE Select); coding-DNA position 3938, A replaced by G.
Protein change: p.Asn1313Ser; replaces asparagine 1313 with serine.
Molecular consequence: missense variant.
Genome position (GRCh38, 1-based): chr1:216,198,458, T>C on the plus strand (A>G on the coding strand, the complement: USH2A is on the minus strand). VCF-style: chr1-216198458-T-C. GRCh37 (hg19) VCF-style: chr1-216371800-T-C.
Other names: c.3938A>G, p.Asn1313Ser (NM_007123.6); short protein forms N1313S.
Identifiers: ClinVar variation 846734 (VCV000846734.10), dbSNP rs145459379, ClinGen allele CA1395866.